The following is an entry in ClinVar:

NM_000498.3(CYP11B2):c.1084del (p.Leu362fs)

Genes: CYP11B2 (cytochrome P450 family 11 subfamily B member 2; minus strand), LOC106799834 (CYP11B2 recombination region; plus strand). Cytogenetic location: 8q24.3.
Variant type: Deletion.
Coding change: c.1084del on transcript NM_000498.3 (MANE Select); coding-DNA position 1084, one base deleted (C; older notation c.1084delC).
Protein change: p.Leu362fs; shifts the reading frame from leucine 362.
Molecular consequence: frameshift variant.
Genome position (GRCh38, 1-based): chr8:142,913,322, G deleted on the plus strand (C on the coding strand, the reverse complement: CYP11B2 is on the minus strand). VCF-style (leftmost placement, unchanged base first): chr8-142913321-AG-A. GRCh37 (hg19) VCF-style: chr8-143994737-AG-A.
Other names: short protein forms L362fs.
Identifiers: ClinVar variation 2097019 (VCV002097019.4), dbSNP rs2488699001, ClinGen allele CA2579268407.

ClinVar aggregate classification (germline): Pathogenic (1 of 4 stars; one submission).

Submission:

Labcorp Genetics (formerly Invitae), Labcorp
Classification: Pathogenic. Last evaluated: 2022-02-11. Review status: criteria provided, single submitter. Criteria: Invitae Variant Classification Sherloc (09022015). Collection method: clinical testing. Allele origin: germline.
Comment: This sequence change creates a premature translational stop signal (p.Leu362Cysfs*25) in the CYP11B2 gene. It is expected to result in an absent or disrupted protein product. Loss-of-function variants in CYP11B2 are known to be pathogenic (PMID: 20494601, 22801770, 26936515). This variant is not present in population databases (gnomAD no frequency). This variant has not been reported in the literature in individuals affected with CYP11B2-related conditions. For these reasons, this variant has been classified as Pathogenic.

Literature cited by the submitters: PubMed 20494601; PubMed 22801770; PubMed 26936515.